The following is an entry in ClinVar:

ClinVar aggregate classification (germline): Likely benign. Review status: criteria provided, multiple submitters, no conflicts (2 of 4 stars). 4 submissions from 4 submitters: Likely benign (4). Last evaluated 2026-04-01.

Conditions:
Usher syndrome type 3B. Also called: USHER SYNDROME, TYPE IIIB. Identifiers: MedGen C3281066, MONDO:0013788, OMIM 614504.

Allele frequency attached by ClinVar (database versions not stated): gnomAD exomes 0.00006; ExAC 0.00008; gnomAD 0.00008 and 0.00009; TOPMed 0.00008.
gnomAD v4.1: 223 of 1,614,040 alleles (0.014%); highest among the groups gnomAD compares: Non-Finnish European, 0.018%; no homozygotes.

Submissions (4):

CeGaT Center for Human Genetics Tuebingen
Classification: Likely benign. Last evaluated: 2026-04-01. Review status: criteria provided, single submitter. Criteria: CeGaT Center For Human Genetics Tuebingen Variant Classification Criteria Version 2. Collection method: clinical testing. Allele origin: germline. Affected: yes. Observed: 2 variant alleles.
Comment: HARS1: BP4, BP7

Labcorp Genetics (formerly Invitae), Labcorp
Classification: Likely benign for Usher syndrome type 3B. Last evaluated: 2026-01-07. Review status: criteria provided, single submitter. Criteria: Invitae Variant Classification Sherloc (09022015). Collection method: clinical testing. Allele origin: germline.

Blueprint Genetics
Classification: Likely benign. Last evaluated: 2024-08-21. Review status: criteria provided, single submitter. Criteria: ACMG Guidelines, 2015. Collection method: clinical testing. Allele origin: germline.

Ambry Genetics
Classification: Likely benign. Last evaluated: 2019-07-11. Review status: criteria provided, single submitter. Criteria: Ambry Variant Classification Scheme 2023. Collection method: clinical testing. Allele origin: germline.

NM_002109.6(HARS1):c.1110C>T (p.Phe370=)

Gene: HARS1 (histidyl-tRNA synthetase 1; minus strand). Cytogenetic location: 5q31.3.
Variant type: single nucleotide variant.
Coding change: c.1110C>T on transcript NM_002109.6 (MANE Select); coding-DNA position 1110, C replaced by T.
Protein change: p.Phe370=; no amino-acid change (phenylalanine 370 retained).
Molecular consequence: synonymous variant.
Genome position (GRCh38, 1-based): chr5:140,676,738, G>A on the plus strand (C>T on the coding strand, the complement: HARS1 is on the minus strand). VCF-style: chr5-140676738-G-A. GRCh37 (hg19) VCF-style: chr5-140056323-G-A.
Other names: c.990C>T, p.Phe330= (NM_001258040.3); c.1050C>T, p.Phe350= (NM_001258041.3); c.930C>T, p.Phe310= (NM_001258042.3); c.888C>T, p.Phe296= (NM_001289092.2); c.768C>T, p.Phe256= (NM_001289093.2); c.1023C>T, p.Phe341= (NM_001289094.2).
Identifiers: ClinVar variation 540207 (VCV000540207.52), dbSNP rs761267344, ClinGen allele CA3443923.